The following is an entry in ClinVar:

ClinVar aggregate classification (germline): Likely benign (1 of 4 stars; one submission).

Conditions:
BEST1-related disorder. Also called: BEST1-related disorders; BEST1-related condition. Identifiers: MedGen CN239200.

gnomAD v4.1: 206 of 1,455,170 alleles (0.014%); highest among the groups gnomAD compares: African/African-American, 0.25%; no homozygotes.

Submission:

PreventionGenetics, part of Exact Sciences
Classification: Likely benign for BEST1-related condition. Last evaluated: 2025-03-12. Review status: criteria provided, single submitter. Criteria: ACMG Guidelines, 2015. Collection method: clinical testing. Allele origin: germline.
Comment: This variant is classified as likely benign based on ACMG/AMP sequence variant interpretation guidelines (Richards et al. 2015 PMID: 25741868, with internal and published modifications).

NM_004183.4(BEST1):c.1739+254T>C

Gene: BEST1 (bestrophin 1; plus strand). Cytogenetic location: 11q12.3.
Variant type: single nucleotide variant.
Coding change: c.1739+254T>C on transcript NM_004183.4 (MANE Select); 254 bases into the intron after coding-DNA position 1739, T replaced by C.
Molecular consequence: intron variant. On other transcripts: stop lost (3).
Genome position (GRCh38, 1-based): chr11:61,963,147, T>C. VCF-style: chr11-61963147-T-C. GRCh37 (hg19) VCF-style: chr11-61730619-T-C.
Other names: c.1813T>C (NM_001139443.1); c.1813T>C, p.Ter605Arg (NM_001139443.3); c.1675T>C, p.Ter559Arg (NM_001363591.3); c.*888T>C (NM_001363592.2); c.1021T>C, p.Ter341Arg (NM_001363593.3); c.1559+254T>C (NM_001300787.2); c.1478+254T>C (NM_001300786.2).
Identifiers: ClinVar variation 4980730 (VCV004980730.1), dbSNP rs150166752.